The following is an entry in ClinVar:

NM_001393392.1(AKR1C2):c.441A>G (p.Thr147=)

Gene: AKR1C2 (aldo-keto reductase family 1 member C2; minus strand). Cytogenetic location: 10p15.1.
Variant type: single nucleotide variant.
Coding change: c.441A>G on transcript NM_001393392.1 (MANE Select); coding-DNA position 441, A replaced by G.
Protein change: p.Thr147=; no amino-acid change (threonine 147 retained).
Molecular consequence: synonymous variant. On other transcripts: intron variant (1).
Genome position (GRCh38, 1-based): chr10:4,999,206, T>C on the plus strand (A>G on the coding strand, the complement: AKR1C2 is on the minus strand). VCF-style: chr10-4999206-T-C. GRCh37 (hg19) VCF-style: chr10-5041398-T-C.
Other names: c.441A>G, p.Thr147= (NM_001354.6, NM_205845.3); c.370-459A>G (NM_001321027.2).
Identifiers: ClinVar variation 434114 (VCV000434114.14), dbSNP rs3207909, ClinGen allele CA5390110.

ClinVar aggregate classification (germline): Benign. Review status: criteria provided, multiple submitters, no conflicts (2 of 4 stars). 5 submissions from 5 submitters: Benign (4). 1 of the submissions does not count toward it. Last evaluated 2019-05-28.

Conditions:
AKR1C2-related disorder. Also called: AKR1C2-related condition.
46,XY disorder of sex development due to testicular 17,20-desmolase deficiency. Also called: 46,XY SEX REVERSAL 8, MODIFIER OF; 46,XY SEX REVERSAL 8; MALE PSEUDOHERMAPHRODITISM DUE TO DEFICIENCY OF TESTICULAR 17,20-DESMOLASE. Identifiers: Orphanet 443087, MedGen C1839840, MONDO:0013664, OMIM 614279.

Allele frequency attached by ClinVar (database versions not stated): 1000 Genomes Project 30x 0.08026; gnomAD 0.15144 and 0.14705; ExAC 0.34404; gnomAD exomes 0.22050.

Submissions (6):

Mendelics
Classification: Benign for 46,XY disorder of sex development due to testicular 17,20-desmolase deficiency. Last evaluated: 2019-05-28. Review status: criteria provided, single submitter. Criteria: Mendelics Assertion Criteria 2017. Collection method: clinical testing. Allele origin: unknown.

GeneDx
Classification: Benign. Last evaluated: 2018-07-05. Review status: criteria provided, single submitter. Criteria: GeneDx Variant Classification Process June 2021. Collection method: clinical testing. Allele origin: germline. Affected: yes.

Genetic Services Laboratory, University of Chicago
Classification: Benign. Last evaluated: 2015-11-11. Review status: criteria provided, single submitter. Criteria: ACMG Guidelines, 2015. Collection method: clinical testing. Allele origin: germline. Affected: no.

Breakthrough Genomics
Classification: Benign. Review status: criteria provided, single submitter. Criteria: ACMG Guidelines, 2015. Collection method: not provided. Allele origin: germline. Inheritance: Autosomal recessive inheritance. Affected: yes.

PreventionGenetics, part of Exact Sciences
Classification: Benign for AKR1C2-related condition. Last evaluated: 2019-11-21. Review status: no assertion criteria provided. Collection method: clinical testing. Allele origin: germline. Not counted in ClinVar's aggregate classification.
Comment: This variant is classified as benign based on ACMG/AMP sequence variant interpretation guidelines (Richards et al. 2015 PMID: 25741868, with internal and published modifications).

Dr. Peter K. Rogan Lab, Western University
No classification provided (evidence only). Condition: Ovarian serous cystadenocarcinoma. Review status: no classification provided. Collection method: in vitro. Allele origin: not applicable. Functional consequence: retained intron. Not counted in ClinVar's aggregate classification.